The following is an entry in ClinVar:

NM_000096.4(CP):c.2215G>C (p.Val739Leu)

Gene: CP (ceruloplasmin; minus strand). Cytogenetic location: 3q24.
Variant type: single nucleotide variant.
Coding change: c.2215G>C on transcript NM_000096.4 (MANE Select); coding-DNA position 2215, G replaced by C.
Protein change: p.Val739Leu; replaces valine 739 with leucine.
Molecular consequence: missense variant. On other transcripts: non-coding transcript variant (1).
Genome position (GRCh38, 1-based): chr3:149,185,309, C>G on the plus strand (G>C on the coding strand, the complement: CP is on the minus strand). VCF-style: chr3-149185309-C-G. GRCh37 (hg19) VCF-style: chr3-148903096-C-G.
Other names: short protein forms V739L.
Identifiers: ClinVar variation 2896473 (VCV002896473.3), dbSNP rs745371364, ClinGen allele CA2660818.

ClinVar aggregate classification (germline): Uncertain significance (1 of 4 stars; one submission).

Conditions:
Deficiency of ferroxidase (ACEP). Also called: Aceruloplasminemia; NEURODEGENERATION WITH BRAIN IRON ACCUMULATION 10; Ceruloplasmin deficiency; Familial apoceruloplasmin deficiency; Hereditary ceruloplasmin deficiency; Deficiency of ceruloplasmin. Identifiers: Orphanet 48818, MedGen C0878682, MONDO:0011426, OMIM 604290, HP:0025498.

Allele frequency attached by ClinVar (database versions not stated): ExAC 0.00001.
gnomAD v4.1: 11 of 1,614,070 alleles (0.00068%); highest among the groups gnomAD compares: Non-Finnish European, 0.00085%; no homozygotes.

Submission:

Labcorp Genetics (formerly Invitae), Labcorp
Classification: Uncertain significance for Deficiency of ferroxidase. Last evaluated: 2024-09-05. Review status: criteria provided, single submitter. Criteria: Invitae Variant Classification Sherloc (09022015). Collection method: clinical testing. Allele origin: germline.
Comment: This sequence change replaces valine, which is neutral and non-polar, with leucine, which is neutral and non-polar, at codon 739 of the CP protein (p.Val739Leu). This variant is present in population databases (rs745371364, gnomAD 0.0009%). This variant has not been reported in the literature in individuals affected with CP-related conditions. Invitae Evidence Modeling of protein sequence and biophysical properties (such as structural, functional, and spatial information, amino acid conservation, physicochemical variation, residue mobility, and thermodynamic stability) indicates that this missense variant is not expected to disrupt CP protein function with a negative predictive value of 80%. In summary, the available evidence is currently insufficient to determine the role of this variant in disease. Therefore, it has been classified as a Variant of Uncertain Significance.